The following is an entry in ClinVar:

NM_000019.4(ACAT1):c.826+3_826+6del

Gene: ACAT1 (acetyl-CoA acetyltransferase 1; plus strand). Cytogenetic location: 11q22.3.
Variant type: Deletion.
Coding change: c.826+3_826+6del on transcript NM_000019.4 (MANE Select); bases 3 to 6 of the intron after coding-DNA position 826, 4 bases deleted (TAGT; older notation c.826+3_826+6delTAGT).
Molecular consequence: splice donor variant.
Genome position (GRCh38, 1-based): chr11:108,141,703-108,141,706, TAGT deleted; deleting any 4 consecutive bases within chr11:108,141,701-108,141,706 gives the same sequence; the c. name uses the placement nearest the transcript's 3' end. VCF-style (leftmost placement, unchanged base first): chr11-108141700-GGTTA-G. GRCh37 (hg19) VCF-style: chr11-108012427-GGTTA-G.
Other names: c.556+3_556+6del (NM_001386682.1, NM_001386681.1, NM_001386685.1 and 6 more transcripts); c.826+3_826+6del (NM_001386677.1); c.529+3_529+6del (NM_001386679.1); c.511+3_511+6del (NM_001386678.1).
Identifiers: ClinVar variation 1964896 (VCV001964896.5), dbSNP rs754619277, ClinGen allele CA6263220.

ClinVar aggregate classification (germline): Conflicting classifications of pathogenicity. Review status: criteria provided, conflicting classifications (1 of 4 stars). 2 submissions from 2 submitters: Likely pathogenic (1); Uncertain significance (1). Last evaluated 2024-11-21.

Conditions:
Deficiency of acetyl-CoA acetyltransferase. Also called: 3-KETOTHIOLASE DEFICIENCY; 3-OXOTHIOLASE DEFICIENCY; Beta-ketothiolase deficiency; MITOCHONDRIAL ACETOACETYL-CoA THIOLASE DEFICIENCY. Identifiers: Orphanet 134, MedGen C1536500, MONDO:0008760, OMIM 203750. Disease mechanism: loss of function.

Submissions (2):

Unidad De Genómica, Hospital Infantil Universitario Niño Jesús
Classification: Likely pathogenic for Deficiency of acetyl-CoA acetyltransferase. Last evaluated: 2024-11-21. Review status: criteria provided, single submitter. Criteria: ACMG Guidelines, 2015. Collection method: clinical testing. Allele origin: maternal, not applicable. Inheritance: Autosomal recessive inheritance. Affected: yes. Observed: 1 compound heterozygote. Functional consequence: sequence_variant_causes_exon_loss.
Comment: This variant is located at the initial part of intron 8 changing the third to sixth nucleotide, it has a very low frequency (<0.002%) in gnomAD, with no homozygous in general population (PM2). The position is conserved: phyloP = 9.7 is between 7.52 and 9.88 (PP3). Is in trans with a known pathogenic variant (PM3). Sequencing cDNA demonstrated exon skipping (not published) (PS3)

Labcorp Genetics (formerly Invitae), Labcorp
Classification: Uncertain significance for Deficiency of acetyl-CoA acetyltransferase. Last evaluated: 2022-04-28. Review status: criteria provided, single submitter. Criteria: Invitae Variant Classification Sherloc (09022015). Collection method: clinical testing. Allele origin: germline.
Comment: This sequence change falls in intron 8 of the ACAT1 gene. It does not directly change the encoded amino acid sequence of the ACAT1 protein. It affects a nucleotide within the consensus splice site. This variant is present in population databases (rs754619277, gnomAD 0.02%). This variant has not been reported in the literature in individuals affected with ACAT1-related conditions. Variants that disrupt the consensus splice site are a relatively common cause of aberrant splicing (PMID: 17576681, 9536098). Algorithms developed to predict the effect of sequence changes on RNA splicing suggest that this variant may disrupt the consensus splice site. In summary, the available evidence is currently insufficient to determine the role of this variant in disease. Therefore, it has been classified as a Variant of Uncertain Significance.

Literature cited by the submitters: PubMed 17576681 (cited by Labcorp Genetics (formerly Invitae), Labcorp); PubMed 9536098 (cited by Labcorp Genetics (formerly Invitae), Labcorp).